The following is an entry in ClinVar:

ClinVar aggregate classification (germline): Uncertain significance. Review status: criteria provided, multiple submitters, no conflicts (2 of 4 stars). 2 submissions from 2 submitters: Uncertain significance (2). Last evaluated 2025-06-09.

Conditions:
Focal segmental glomerulosclerosis 7 (FSGS7). Identifiers: Orphanet 656, MedGen C4014925, MONDO:0014451, OMIM 616002.
Renal coloboma syndrome (PAPRS). Also called: COLOBOMA OF OPTIC NERVE WITH RENAL DISEASE; OPTIC COLOBOMA, VESICOURETERAL REFLUX, AND RENAL ANOMALIES; OPTIC NERVE COLOBOMA WITH RENAL DISEASE; RENAL-COLOBOMA SYNDROME WITH MACULAR ABNORMALITIES; CONGENITAL ANOMALIES OF THE KIDNEY AND URINARY TRACT WITH OR WITHOUT OCULAR ABNORMALITIES; CAKUT WITH OR WITHOUT OCULAR ABNORMALITIES. Identifiers: Orphanet 1475, MedGen C1852759, MONDO:0007352, OMIM 120330.

Allele frequency attached by ClinVar (database versions not stated): gnomAD 0.00001; TOPMed 0.00001; ExAC 0.00004; gnomAD exomes 0.00004.
gnomAD v4.1: 18 of 1,611,116 alleles (0.0011%); highest among the groups gnomAD compares: Admixed American, 0.013%; no homozygotes.

Submissions (2):

Women's Health and Genetics/Laboratory Corporation of America, LabCorp
Classification: Uncertain significance. Last evaluated: 2025-06-09. Review status: criteria provided, single submitter. Criteria: LabCorp Variant Classification Summary - May 2015. Collection method: clinical testing. Allele origin: germline.
Comment: Variant summary: PAX2 c.1033G>A (p.Val345Met) results in a conservative amino acid change in the encoded protein sequence. Algorithms developed to predict the effect of missense changes on protein structure and function are either unavailable or do not agree on the potential impact of this missense change. The variant allele was found at a frequency of 4e-05 in 251426 control chromosomes. This frequency is not significantly higher than estimated for a pathogenic variant in PAX2 causing PAX2-Related Disorders, allowing no conclusion about variant significance. To our knowledge, no occurrence of c.1033G>A in individuals affected with PAX2-Related Disorders and no experimental evidence demonstrating its impact on protein function have been reported. ClinVar contains an entry for this variant (Variation ID: 1398405). Based on the evidence outlined above, the variant was classified as uncertain significance.

Labcorp Genetics (formerly Invitae), Labcorp
Classification: Uncertain significance for Renal coloboma syndrome; Focal segmental glomerulosclerosis 7. Last evaluated: 2024-12-15. Review status: criteria provided, single submitter. Criteria: Invitae Variant Classification Sherloc (09022015). Collection method: clinical testing. Allele origin: germline.
Comment: This sequence change replaces valine, which is neutral and non-polar, with methionine, which is neutral and non-polar, at codon 322 of the PAX2 protein (p.Val322Met). The frequency data for this variant in the population databases is considered unreliable, as metrics indicate poor data quality at this position in the gnomAD database. This variant has not been reported in the literature in individuals affected with PAX2-related conditions. ClinVar contains an entry for this variant (Variation ID: 1398405). An algorithm developed to predict the effect of missense changes on protein structure and function (PolyPhen-2) suggests that this variant is likely to be disruptive. In summary, the available evidence is currently insufficient to determine the role of this variant in disease. Therefore, it has been classified as a Variant of Uncertain Significance.

NM_000278.5(PAX2):c.964G>A (p.Val322Met)

Gene: PAX2 (paired box 2; plus strand). Cytogenetic location: 10q24.31.
Variant type: single nucleotide variant.
Coding change: c.964G>A on transcript NM_000278.5 (MANE Select); coding-DNA position 964, G replaced by A.
Protein change: p.Val322Met; replaces valine 322 with methionine.
Molecular consequence: missense variant.
Genome position (GRCh38, 1-based): chr10:100,824,692, G>A. VCF-style: chr10-100824692-G-A. GRCh37 (hg19) VCF-style: chr10-102584449-G-A.
Other names: c.1057G>A, p.Val353Met (NM_001304569.2); c.1033G>A, p.Val345Met (NM_003987.5, NM_003990.5); c.964G>A, p.Val322Met (NM_003988.5, NM_003989.5); short protein forms V345M, V322M, V353M.
Identifiers: ClinVar variation 1398405 (VCV001398405.9), dbSNP rs777775098, ClinGen allele CA5650923.